The following is an entry in ClinVar:

NM_013391.3(DMGDH):c.326A>G (p.His109Arg)

Gene: DMGDH (dimethylglycine dehydrogenase; minus strand). Cytogenetic location: 5q14.1.
Variant type: single nucleotide variant.
Coding change: c.326A>G on transcript NM_013391.3 (MANE Select); coding-DNA position 326, A replaced by G.
Protein change: p.His109Arg; replaces histidine 109 with arginine.
Molecular consequence: missense variant.
Genome position (GRCh38, 1-based): chr5:79,055,859, T>C on the plus strand (A>G on the coding strand, the complement: DMGDH is on the minus strand). VCF-style: chr5-79055859-T-C. GRCh37 (hg19) VCF-style: chr5-78351682-T-C.
Other names: H81R; short protein forms H109R.
Identifiers: ClinVar variation 4742 (VCV000004742.8), dbSNP rs121908331, ClinGen allele CA117044.

ClinVar aggregate classification (germline): Likely pathogenic. Review status: criteria provided, multiple submitters, no conflicts (2 of 4 stars). 5 submissions from 5 submitters: Likely pathogenic (4). 1 of the submissions does not count toward it. Last evaluated 2026-03-21.

Conditions:
Dimethylglycine dehydrogenase deficiency (DMGDHD). Also called: DMGDH DEFICIENCY. Identifiers: Orphanet 243343, MedGen C1853892, MONDO:0011610, OMIM 605850.

Allele frequency attached by ClinVar (database versions not stated): gnomAD exomes 0.00018 and 0.00039; ExAC 0.00049; gnomAD 0.00139 and 0.00147; TOPMed 0.00151; 1000 Genomes Project 30x 0.00265; 1000 Genomes Project 0.00220.
gnomAD v4.1: 496 of 1,612,764 alleles (0.031%); highest among the groups gnomAD compares: African/African-American, 0.46%; no homozygotes.

Submissions (5):

Dasa
Classification: Likely pathogenic. Last evaluated: 2026-03-21. Review status: criteria provided, single submitter. Criteria: DASA Assertion Criteria. Collection method: clinical testing. Allele origin: germline.
Comment: NM_013391.3(DMGDH):c.326A>G (p.His109Arg) is a missense variant that results in the substitution of histidine with arginine. This variant has been recurrently observed in individuals with DMGDH-related disorders (PMID: 11231903; PMID: 10767172). Functional evidence supports an impact on the gene or gene product. Also, this variant is rare in population databases. Based on the currently available evidence, this variant is classified as likely pathogenic.

3billion
Classification: Likely pathogenic for Dimethylglycine dehydrogenase deficiency. Last evaluated: 2024-12-30. Review status: criteria provided, single submitter. Criteria: ACMG Guidelines, 2015. Collection method: clinical testing. Allele origin: germline. Affected: yes.
Comment: The variant is observed at an extremely low frequency in the gnomAD v4.1.0 dataset (total allele frequency: 0.031%). Predicted Consequence/Location: Missense variant Functional studies provide strong evidence of the variant having a damaging effect on the gene or gene product (PMID: 18937046). In silico tool predictions suggest damaging effect of the variant on gene or gene product [REVEL: 0.66 (>=0.6, sensitivity 0.68 and specificity 0.92)]. The same nucleotide change resulting in the same amino acid change has been previously reported to be associated with DMGDH-related disorder (ClinVar ID: VCV000004742 /PMID: 11231903). Therefore, this variant is classified as Likely pathogenic according to the recommendation of ACMG/AMP guideline.

Department of Pathology and Laboratory Medicine, Sinai Health System
Classification: Likely pathogenic for dimethylglycine dehydrogenase deficiency. Last evaluated: 2023-05-24. Review status: criteria provided, single submitter. Criteria: ACMG Guidelines, 2015. Collection method: research. Allele origin: germline.

GeneDx
Classification: Likely pathogenic. Last evaluated: 2020-06-05. Review status: criteria provided, single submitter. Criteria: GeneDx Variant Classification Process June 2021. Collection method: clinical testing. Allele origin: germline. Affected: yes.
Comment: Published functional studies demonstrate a damaging effect with inactivation of the dimethylglycine dehydrogenase enzyme (Binzak et al, 2001; McAndrew et al., 2008; Augustin et al., 2016); In silico analysis supports that this missense variant has a deleterious effect on protein structure/function; This variant is associated with the following publications: (PMID: 11231903, 24858690, 25525159, 23500531, 27486859, 18937046, 29094215, 29301933, 31589614)

OMIM
Classification: Pathogenic for DIMETHYLGLYCINE DEHYDROGENASE DEFICIENCY. Last evaluated: 2000-03-01. Review status: flagged submission. Collection method: literature only. Allele origin: germline. Not counted in ClinVar's aggregate classification.
ClinVar note: Notes: Flagging candidate with reason of insufficient supporting evidence. This gene has been classified as having a limited gene-disease relationship by a ClinGen Expert Panel.
ClinVar note: Reason: P/LP classification for a variant in a gene with insufficient evidence for a gene-disease relationship

Literature cited by the submitters: PubMed 11231903 (cited by Dasa and 3billion); PubMed 10767172 (cited by Dasa and OMIM); PubMed 27486859 (cited by Dasa); PubMed 18937046 (cited by 3 submitters); PubMed 10102904 (cited by OMIM).